The following is an entry in ClinVar:

NM_001999.4(FBN2):c.3751G>A (p.Gly1251Arg)

Gene: FBN2 (fibrillin 2; minus strand). Cytogenetic location: 5q23.3.
Variant type: single nucleotide variant.
Coding change: c.3751G>A on transcript NM_001999.4 (MANE Select); coding-DNA position 3751, G replaced by A.
Protein change: p.Gly1251Arg; replaces glycine 1251 with arginine.
Molecular consequence: missense variant.
Genome position (GRCh38, 1-based): chr5:128,335,551, C>T on the plus strand (G>A on the coding strand, the complement: FBN2 is on the minus strand). VCF-style: chr5-128335551-C-T. GRCh37 (hg19) VCF-style: chr5-127671243-C-T.
Other names: p.Gly1251Arg; short protein forms G1251R.
Identifiers: ClinVar variation 852068 (VCV000852068.12), dbSNP rs1018550681, ClinGen allele CA127013871.
Genomic context (GRCh38, chr5:128,335,551, plus strand): 5'-CCTCACTGCAGCTGCATTCGTAGCTTCCCTCTGAATTTGTGCACTGGGTGTCACAGCCTC[C>T]GTTCATTATCATACATTCATCAATATCTGTGAAAACAGCATTGCAACCACATTGTCAGGT-3'
Protein context (NP_001990.2, residues 1241-1261): TDIDECMIMN[Gly1251Arg]GCDTQCTNSE

ClinVar aggregate classification (germline): Uncertain significance. Review status: criteria provided, multiple submitters, no conflicts (2 of 4 stars). 3 submissions from 3 submitters: Uncertain significance (3). Last evaluated 2026-01-21.

Conditions:
Congenital contractural arachnodactyly (CCA). Also called: BEALS SYNDROME; Beals-Hecht syndrome; Arthrogryposis, distal, type 9. Identifiers: Orphanet 115, MedGen C0220668, MONDO:0007363, OMIM 121050.

Allele frequency attached by ClinVar (database versions not stated): gnomAD exomes below 0.00001 and 0.00001; gnomAD 0.00001; TOPMed 0.00002.
gnomAD v4.1: 7 of 1,613,940 alleles (0.00043%); highest among the groups gnomAD compares: East Asian, 0.0022%; no homozygotes.

Submissions (3):

Labcorp Genetics (formerly Invitae), Labcorp
Classification: Uncertain significance for Congenital contractural arachnodactyly. Last evaluated: 2026-01-21. Review status: criteria provided, single submitter. Criteria: Invitae Variant Classification Sherloc (09022015). Collection method: clinical testing. Allele origin: germline.
Comment: This sequence change replaces glycine, which is neutral and non-polar, with arginine, which is basic and polar, at codon 1251 of the FBN2 protein (p.Gly1251Arg). This variant is present in population databases (no rsID available, gnomAD 0.004%). This variant has not been reported in the literature in individuals affected with FBN2-related conditions. ClinVar contains an entry for this variant (Variation ID: 852068). Invitae Evidence Modeling of protein sequence and biophysical properties (such as structural, functional, and spatial information, amino acid conservation, physicochemical variation, residue mobility, and thermodynamic stability) indicates that this missense variant is expected to disrupt FBN2 protein function with a positive predictive value of 80%. In summary, the available evidence is currently insufficient to determine the role of this variant in disease. Therefore, it has been classified as a Variant of Uncertain Significance.

Mayo Clinic Laboratories, Mayo Clinic
Classification: Uncertain significance. Last evaluated: 2025-09-12. Review status: criteria provided, single submitter. Criteria: ACMG Guidelines, 2015. Collection method: clinical testing. Allele origin: germline. Observed: 1 variant allele.
Comment: PP3_moderate

GeneDx
Classification: Uncertain significance. Last evaluated: 2024-07-01. Review status: criteria provided, single submitter. Criteria: GeneDx Variant Classification Process June 2021. Collection method: clinical testing. Allele origin: germline. Affected: yes.
Comment: Not observed at significant frequency in large population cohorts (gnomAD); In silico analysis supports that this missense variant has a deleterious effect on protein structure/function; Although located in a calcium-binding EGF-like domain of the FBN2 gene, it does not substitute or introduce a cysteine residue (PMID: 19006240, 18767143); Has not been previously published as pathogenic or benign to our knowledge; This variant is associated with the following publications: (PMID: 19006240, 18767143)